The following is an entry in ClinVar:

NM_003239.5(TGFB3):c.830_832del (p.His277del)

Gene: TGFB3 (transforming growth factor beta 3; minus strand). Cytogenetic location: 14q24.3.
Variant type: Deletion.
Coding change: c.830_832del on transcript NM_003239.5 (MANE Select); coding-DNA positions 830 to 832, 3 bases deleted (ATC; older notation c.830_832delATC).
Protein change: p.His277del; deletes histidine 277.
Molecular consequence: inframe deletion.
Genome position (GRCh38, 1-based): chr14:75,963,410-75,963,412, GAT deleted on the plus strand (ATC on the coding strand, the reverse complement: TGFB3 is on the minus strand); deleting any 3 consecutive bases within chr14:75,963,410-75,963,414 gives the same sequence; the c. name uses the placement nearest the transcript's 3' end. VCF-style (leftmost placement, unchanged base first): chr14-75963409-AGAT-A. GRCh37 (hg19) VCF-style: chr14-76429752-AGAT-A.
Other names: c.830_832del, p.His277del (NM_001329938.2, NM_001329939.2); short protein forms H277del.
Identifiers: ClinVar variation 520214 (VCV000520214.11), dbSNP rs1555360376, ClinGen allele CA658798233.

ClinVar aggregate classification (germline): Uncertain significance. Review status: criteria provided, multiple submitters, no conflicts (2 of 4 stars). 2 submissions from 2 submitters: Uncertain significance (2). Last evaluated 2025-10-26.

Conditions:
Rienhoff syndrome. Also called: LOEYS-DIETZ SYNDROME 5. Identifiers: MedGen C3810012, MONDO:0014262, OMIM 615582.
Familial thoracic aortic aneurysm and aortic dissection (TAAD). Also called: Thoracic aortic aneurysms and dissections. Identifiers: Orphanet 91387, MedGen C4707243, MONDO:0019625.

Submissions (2):

Labcorp Genetics (formerly Invitae), Labcorp
Classification: Uncertain significance for Rienhoff syndrome. Last evaluated: 2025-10-26. Review status: criteria provided, single submitter. Criteria: Invitae Variant Classification Sherloc (09022015). Collection method: clinical testing. Allele origin: germline.
Comment: This variant, c.830_832del, results in the deletion of 1 amino acid(s) of the TGFB3 protein (p.His277del), but otherwise preserves the integrity of the reading frame. This variant is not present in population databases (gnomAD no frequency). This variant has not been reported in the literature in individuals affected with TGFB3-related conditions. ClinVar contains an entry for this variant (Variation ID: 520214). Experimental studies and prediction algorithms are not available or were not evaluated, and the functional significance of this variant is currently unknown. In summary, the available evidence is currently insufficient to determine the role of this variant in disease. Therefore, it has been classified as a Variant of Uncertain Significance.

Ambry Genetics
Classification: Uncertain significance for Familial thoracic aortic aneurysm and aortic dissection. Last evaluated: 2017-08-01. Review status: criteria provided, single submitter. Criteria: Ambry Variant Classification Scheme 2023. Collection method: clinical testing. Allele origin: germline.
Comment: The c.830_832delATC variant (also known as p.H277del) is located in coding exon 5 of the TGFB3 gene. This variant results from an in-frame ATC deletion at nucleotide positions 830 to 832. This results in the in-frame deletion of a highly conserved histidine at codon 277. Since supporting evidence is limited at this time, the clinical significance of this alteration remains unclear.